The following is an entry in ClinVar:

NM_000069.3(CACNA1S):c.1384C>T (p.Arg462Cys)

Gene: CACNA1S (calcium voltage-gated channel subunit alpha1 S; minus strand). Cytogenetic location: 1q32.1.
Variant type: single nucleotide variant.
Coding change: c.1384C>T on transcript NM_000069.3 (MANE Select); coding-DNA position 1384, C replaced by T.
Protein change: p.Arg462Cys; replaces arginine 462 with cysteine.
Molecular consequence: missense variant.
Genome position (GRCh38, 1-based): chr1:201,083,171, G>A on the plus strand (C>T on the coding strand, the complement: CACNA1S is on the minus strand). VCF-style: chr1-201083171-G-A. GRCh37 (hg19) VCF-style: chr1-201052299-G-A.
Other names: short protein forms R462C.
Identifiers: ClinVar variation 1519652 (VCV001519652.6), dbSNP rs747376751, ClinGen allele CA078175.

ClinVar aggregate classification (germline): Uncertain significance. Review status: criteria provided, multiple submitters, no conflicts (2 of 4 stars). 3 submissions from 3 submitters: Uncertain significance (3). Last evaluated 2025-06-09.

Conditions:
Malignant hyperthermia, susceptibility to, 5 (MHS5). Also called: CACNA1S-Related Malignant Hyperthermia Susceptibility. Identifiers: Orphanet 423, MedGen C1866077, MONDO:0011163, OMIM 601887.
Hypokalemic periodic paralysis, type 1. Also called: HypoPP; Hypokalemic Periodic Paralysis Type 1 (AD). Identifiers: Orphanet 681, MedGen C3714580, MONDO:0042979, OMIM 170400.

Allele frequency attached by ClinVar (database versions not stated): gnomAD exomes below 0.00001; ExAC 0.00001; gnomAD 0.00003.
gnomAD v4.1: 8 of 1,613,808 alleles (0.0005%); highest among the groups gnomAD compares: Admixed American, 0.0017%; no homozygotes.

Submissions (3):

Color Diagnostics, LLC DBA Color Health
Classification: Uncertain significance for Malignant hyperthermia, susceptibility to, 5. Last evaluated: 2025-06-09. Review status: criteria provided, single submitter. Criteria: ACMG Guidelines, 2015. Collection method: clinical testing. Allele origin: germline.
Comment: This missense variant replaces arginine with cysteine at codon 462 of the CACNA1S protein. Computational prediction suggests that this variant may not impact protein structure and function. To our knowledge, functional studies have not been reported for this variant. This variant has not been reported in individuals affected with CACNA1S-related disorders in the literature. This variant has been identified in 2/282560 chromosomes in the general population by the Genome Aggregation Database (gnomAD). The available evidence is insufficient to determine the role of this variant in disease conclusively. Therefore, this variant is classified as a Variant of Uncertain Significance.

Labcorp Genetics (formerly Invitae), Labcorp
Classification: Uncertain significance for Hypokalemic periodic paralysis, type 1; Malignant hyperthermia, susceptibility to, 5. Last evaluated: 2025-04-14. Review status: criteria provided, single submitter. Criteria: Invitae Variant Classification Sherloc (09022015). Collection method: clinical testing. Allele origin: germline.
Comment: This sequence change replaces arginine, which is basic and polar, with cysteine, which is neutral and slightly polar, at codon 462 of the CACNA1S protein (p.Arg462Cys). This variant is present in population databases (rs747376751, gnomAD 0.002%). This variant has not been reported in the literature in individuals affected with CACNA1S-related conditions. ClinVar contains an entry for this variant (Variation ID: 1519652). Invitae Evidence Modeling of protein sequence and biophysical properties (such as structural, functional, and spatial information, amino acid conservation, physicochemical variation, residue mobility, and thermodynamic stability) indicates that this missense variant is not expected to disrupt CACNA1S protein function with a negative predictive value of 95%. In summary, the available evidence is currently insufficient to determine the role of this variant in disease. Therefore, it has been classified as a Variant of Uncertain Significance.

All of Us Research Program, National Institutes of Health
Classification: Uncertain significance for Malignant hyperthermia, susceptibility to, 5. Last evaluated: 2023-06-26. Review status: criteria provided, single submitter. Criteria: ACMG Guidelines, 2015. Collection method: clinical testing. Allele origin: germline. Inheritance: Autosomal dominant inheritance. Observed: 2 variant alleles, 2 heterozygotes.
Comment: This missense variant replaces arginine with cysteine at codon 462 of the CACNA1S protein. Computational prediction suggests that this variant may not impact protein structure and function (internally defined REVEL score threshold <= 0.5, PMID: 27666373). To our knowledge, functional studies have not been reported for this variant. This variant has not been reported in individuals affected with CACNA1S-related disorders in the literature. This variant has been identified in 2/282560 chromosomes in the general population by the Genome Aggregation Database (gnomAD). The available evidence is insufficient to determine the role of this variant in disease conclusively. Therefore, this variant is classified as a Variant of Uncertain Significance.

This study involves interpretation of variants in research participants for the purpose of population health screening. Participant phenotype was not available at the time of variant classification. Additional details can be found in publication PMID: 35346344, PMCID: PMC8962531